The following is an entry in ClinVar:

NM_000179.3(MSH6):c.783del (p.Asp262fs)

Gene: MSH6 (mutS homolog 6; plus strand). Cytogenetic location: 2p16.3.
Variant type: Deletion.
Coding change: c.783del on transcript NM_000179.3 (MANE Select); coding-DNA position 783, one base deleted (T; older notation c.783delT).
Protein change: p.Asp262fs; shifts the reading frame from aspartic acid 262.
Molecular consequence: frameshift variant. On other transcripts: 5 prime UTR variant (2).
Genome position (GRCh38, 1-based): chr2:47,798,766, T deleted. VCF-style (leftmost placement, unchanged base first): chr2-47798765-CT-C. GRCh37 (hg19) VCF-style: chr2-48025904-CT-C.
Other names: c.393del, p.Asp132fs (NM_001281492.2); c.-124del (NM_001281493.2, NM_001281494.2); short protein forms D132fs, D262fs.
Identifiers: ClinVar variation 1073550 (VCV001073550.7), dbSNP rs2104297531, ClinGen allele CA2499216097.

ClinVar aggregate classification (germline): Pathogenic (1 of 4 stars; one submission).

Conditions:
Hereditary nonpolyposis colorectal neoplasms. Identifiers: MedGen C0009405, MeSH D003123.

Submission:

Labcorp Genetics (formerly Invitae), Labcorp
Classification: Pathogenic for Hereditary nonpolyposis colorectal neoplasms. Last evaluated: 2022-03-03. Review status: criteria provided, single submitter. Criteria: Invitae Variant Classification Sherloc (09022015). Collection method: clinical testing. Allele origin: germline.
Comment: For these reasons, this variant has been classified as Pathogenic. ClinVar contains an entry for this variant (Variation ID: 1073550). This variant has not been reported in the literature in individuals affected with MSH6-related conditions. This variant is not present in population databases (gnomAD no frequency). This sequence change creates a premature translational stop signal (p.Asp262Metfs*17) in the MSH6 gene. It is expected to result in an absent or disrupted protein product. Loss-of-function variants in MSH6 are known to be pathogenic (PMID: 18269114, 24362816).

Literature cited by the submitters: PubMed 18269114; PubMed 24362816.